The following is an entry in ClinVar:

NM_014241.4(HACD1):c.280A>G (p.Met94Val)

Gene: HACD1 (3-hydroxyacyl-CoA dehydratase 1; minus strand). Cytogenetic location: 10p12.33.
Variant type: single nucleotide variant.
Coding change: c.280A>G on transcript NM_014241.4 (MANE Select); coding-DNA position 280, A replaced by G.
Protein change: p.Met94Val; replaces methionine 94 with valine.
Molecular consequence: missense variant.
Genome position (GRCh38, 1-based): chr10:17,604,025, T>C on the plus strand (A>G on the coding strand, the complement: HACD1 is on the minus strand). VCF-style: chr10-17604025-T-C. GRCh37 (hg19) VCF-style: chr10-17646024-T-C.
Other names: short protein forms M94V.
Identifiers: ClinVar variation 1394820 (VCV001394820.3), dbSNP rs782105756, ClinGen allele CA5427370.

ClinVar aggregate classification (germline): Uncertain significance (1 of 4 stars; one submission).

Allele frequency attached by ClinVar (database versions not stated): TOPMed 0.00001; gnomAD exomes 0.00002 and 0.00003; gnomAD 0.00003; ExAC 0.00004.
gnomAD v4.1: 49 of 1,591,774 alleles (0.0031%); highest among the groups gnomAD compares: Non-Finnish European, 0.0038%; no homozygotes.

Submission:

Labcorp Genetics (formerly Invitae), Labcorp
Classification: Uncertain significance. Last evaluated: 2022-07-19. Review status: criteria provided, single submitter. Criteria: Invitae Variant Classification Sherloc (09022015). Collection method: clinical testing. Allele origin: germline.
Comment: This sequence change replaces methionine, which is neutral and non-polar, with valine, which is neutral and non-polar, at codon 94 of the HACD1 protein (p.Met94Val). This variant is present in population databases (rs782105756, gnomAD 0.005%). This variant has not been reported in the literature in individuals affected with HACD1-related conditions. ClinVar contains an entry for this variant (Variation ID: 1394820). Algorithms developed to predict the effect of missense changes on protein structure and function (SIFT, PolyPhen-2, Align-GVGD) all suggest that this variant is likely to be tolerated. In summary, the available evidence is currently insufficient to determine the role of this variant in disease. Therefore, it has been classified as a Variant of Uncertain Significance.